The following is an entry in ClinVar:

ClinVar aggregate classification (germline): Uncertain significance. Review status: criteria provided, multiple submitters, no conflicts (2 of 4 stars). 2 submissions from 2 submitters: Uncertain significance (2). Last evaluated 2024-12-02.

Conditions:
Hereditary cancer-predisposing syndrome. Also called: Hereditary neoplastic syndrome; Neoplastic Syndromes, Hereditary; Tumor predisposition; Hereditary Cancer Syndrome. Identifiers: Orphanet 140162, MedGen C0027672, MeSH D009386, MONDO:0015356.
Fanconi anemia complementation group J. Also called: BRIP1-Related Fanconi Anemia. Identifiers: Orphanet 84, MedGen C1836860, MONDO:0012187, OMIM 609054.
Familial cancer of breast. Also called: BREAST CANCER, FAMILIAL; Hereditary breast cancer; hereditary breast carcinoma. Identifiers: Orphanet 227535, MedGen C0346153, MONDO:0016419, OMIM 114480. Disease mechanism: loss of function.

Submissions (2):

Labcorp Genetics (formerly Invitae), Labcorp
Classification: Uncertain significance for Familial cancer of breast; Fanconi anemia complementation group J. Last evaluated: 2024-12-02. Review status: criteria provided, single submitter. Criteria: Invitae Variant Classification Sherloc (09022015). Collection method: clinical testing. Allele origin: germline.
Comment: This sequence change replaces glutamine, which is neutral and polar, with histidine, which is basic and polar, at codon 561 of the BRIP1 protein (p.Gln561His). This variant is not present in population databases (gnomAD no frequency). This variant has not been reported in the literature in individuals affected with BRIP1-related conditions. ClinVar contains an entry for this variant (Variation ID: 485467). Invitae Evidence Modeling of protein sequence and biophysical properties (such as structural, functional, and spatial information, amino acid conservation, physicochemical variation, residue mobility, and thermodynamic stability) indicates that this missense variant is not expected to disrupt BRIP1 protein function with a negative predictive value of 95%. In summary, the available evidence is currently insufficient to determine the role of this variant in disease. Therefore, it has been classified as a Variant of Uncertain Significance.

Ambry Genetics
Classification: Uncertain significance for Hereditary cancer-predisposing syndrome. Last evaluated: 2024-05-07. Review status: criteria provided, single submitter. Criteria: Ambry Variant Classification Scheme 2023. Collection method: clinical testing. Allele origin: germline.
Comment: The p.Q561H variant (also known as c.1683G>C), located in coding exon 11 of the BRIP1 gene, results from a G to C substitution at nucleotide position 1683. The glutamine at codon 561 is replaced by histidine, an amino acid with highly similar properties. This amino acid position is well conserved in available vertebrate species. In addition, this alteration is predicted to be tolerated by in silico analysis. Since supporting evidence is limited at this time, the clinical significance of this alteration remains unclear.

NM_032043.3(BRIP1):c.1683G>C (p.Gln561His)

Gene: BRIP1 (BRCA1 interacting DNA helicase 1; minus strand). Cytogenetic location: 17q23.2.
Variant type: single nucleotide variant.
Coding change: c.1683G>C on transcript NM_032043.3 (MANE Select); coding-DNA position 1683, G replaced by C.
Protein change: p.Gln561His; replaces glutamine 561 with histidine.
Molecular consequence: missense variant.
Genome position (GRCh38, 1-based): chr17:61,780,951, C>G on the plus strand (G>C on the coding strand, the complement: BRIP1 is on the minus strand). VCF-style: chr17-61780951-C-G. GRCh37 (hg19) VCF-style: chr17-59858312-C-G.
Other names: short protein forms Q561H.
Identifiers: ClinVar variation 485467 (VCV000485467.14), dbSNP rs1209325148, ClinGen allele CA400480472.